The following is an entry in ClinVar:

ClinVar aggregate classification (germline): Uncertain significance. Review status: criteria provided, multiple submitters, no conflicts (2 of 4 stars). 3 submissions from 3 submitters: Uncertain significance (3). Last evaluated 2025-07-31.

Conditions:
Fanconi anemia (FA). Also called: Fanconi's anemia. Identifiers: Orphanet 84, MedGen C0015625, MeSH D005199, MONDO:0019391.
Fanconi anemia complementation group P. Also called: SLX4-Related Fanconi Anemia. Identifiers: Orphanet 84, MedGen C3469542, MONDO:0013499, OMIM 613951.

Allele frequency attached by ClinVar (database versions not stated): TOPMed below 0.00001.
gnomAD v4.1: 6 of 1,588,316 alleles (0.00038%); highest among the groups gnomAD compares: East Asian, 0.0023%; no homozygotes.

Submissions (3):

Labcorp Genetics (formerly Invitae), Labcorp
Classification: Uncertain significance for Fanconi anemia. Last evaluated: 2025-07-31. Review status: criteria provided, single submitter. Criteria: Invitae Variant Classification Sherloc (09022015). Collection method: clinical testing. Allele origin: germline.
Comment: This sequence change replaces valine, which is neutral and non-polar, with methionine, which is neutral and non-polar, at codon 555 of the SLX4 protein (p.Val555Met). This variant is present in population databases (no rsID available, gnomAD 0.007%). This variant has not been reported in the literature in individuals affected with SLX4-related conditions. An algorithm developed to predict the effect of missense changes on protein structure and function outputs the following: PolyPhen-2: "Benign". The methionine amino acid residue is found in multiple mammalian species, which suggests that this missense change does not adversely affect protein function. In summary, the available evidence is currently insufficient to determine the role of this variant in disease. Therefore, it has been classified as a Variant of Uncertain Significance.

Revvity Omics, Revvity
Classification: Uncertain significance for Fanconi anemia complementation group P. Last evaluated: 2025-06-11. Review status: criteria provided, single submitter. Criteria: ACMG Guidelines, 2015. Collection method: clinical testing. Allele origin: germline.

Fulgent Genetics
Classification: Uncertain significance for Fanconi anemia complementation group P. Last evaluated: 2024-02-07. Review status: criteria provided, single submitter. Criteria: ACMG Guidelines, 2015. Collection method: clinical testing. Allele origin: germline.

NM_032444.4(SLX4):c.1663G>A (p.Val555Met)

Gene: SLX4 (SLX4 structure-specific endonuclease subunit; minus strand). Cytogenetic location: 16p13.3.
Variant type: single nucleotide variant.
Coding change: c.1663G>A on transcript NM_032444.4 (MANE Select); coding-DNA position 1663, G replaced by A.
Protein change: p.Val555Met; replaces valine 555 with methionine.
Molecular consequence: missense variant.
Genome position (GRCh38, 1-based): chr16:3,597,399, C>T on the plus strand (G>A on the coding strand, the complement: SLX4 is on the minus strand). VCF-style: chr16-3597399-C-T. GRCh37 (hg19) VCF-style: chr16-3647400-C-T.
Other names: short protein forms V555M.
Identifiers: ClinVar variation 1061426 (VCV001061426.11), dbSNP rs763869769, ClinGen allele CA394528605.